The following is an entry in ClinVar:

ClinVar aggregate classification (germline): Uncertain significance. Review status: criteria provided, multiple submitters, no conflicts (2 of 4 stars). 3 submissions from 3 submitters: Uncertain significance (3). Last evaluated 2025-08-26.

Conditions:
Polyglucosan body myopathy type 1 (PGBM1). Also called: Polyglucosan body myopathy 1 with or without immunodeficiency; POLYGLUCOSAN BODY MYOPATHY WITHOUT IMMUNODEFICIENCY. Identifiers: Orphanet 329173, Orphanet 397937, MedGen C4014605, MONDO:0014389, OMIM 615895.
Inborn genetic diseases. Identifiers: MedGen C0950123, MeSH D030342.

Allele frequency attached by ClinVar (database versions not stated): gnomAD 0.00001 and 0.00002; ExAC 0.00002; gnomAD exomes 0.00002 and 0.00004; TOPMed 0.00004.
gnomAD v4.1: 35 of 1,612,424 alleles (0.0022%); highest among the groups gnomAD compares: Middle Eastern, 0.033%; no homozygotes.

Submissions (3):

Ambry Genetics
Classification: Uncertain significance for Inborn genetic diseases. Last evaluated: 2025-08-26. Review status: criteria provided, single submitter. Criteria: Ambry Variant Classification Scheme 2023. Collection method: clinical testing. Allele origin: germline.

Labcorp Genetics (formerly Invitae), Labcorp
Classification: Uncertain significance for Polyglucosan body myopathy type 1. Last evaluated: 2022-10-25. Review status: criteria provided, single submitter. Criteria: Invitae Variant Classification Sherloc (09022015). Collection method: clinical testing. Allele origin: germline.
Comment: This sequence change replaces glycine, which is neutral and non-polar, with arginine, which is basic and polar, at codon 491 of the RBCK1 protein (p.Gly491Arg). This variant is present in population databases (rs770973545, gnomAD 0.01%). This variant has not been reported in the literature in individuals affected with RBCK1-related conditions. ClinVar contains an entry for this variant (Variation ID: 952187). Advanced modeling of protein sequence and biophysical properties (such as structural, functional, and spatial information, amino acid conservation, physicochemical variation, residue mobility, and thermodynamic stability) performed at Invitae indicates that this missense variant is expected to disrupt RBCK1 protein function. In summary, the available evidence is currently insufficient to determine the role of this variant in disease. Therefore, it has been classified as a Variant of Uncertain Significance.

CeGaT Center for Human Genetics Tuebingen
Classification: Uncertain significance. Last evaluated: 2022-10-01. Review status: criteria provided, single submitter. Criteria: CeGaT Center For Human Genetics Tuebingen Variant Classification Criteria Version 2. Collection method: clinical testing. Allele origin: germline. Affected: yes. Observed: 1 variant allele.
Comment: RBCK1: PM2, BP1

NM_031229.4(RBCK1):c.1471G>A (p.Gly491Arg)

Gene: RBCK1 (RANBP2-type and C3HC4-type zinc finger containing 1; plus strand). Cytogenetic location: 20p13.
Variant type: single nucleotide variant.
Coding change: c.1471G>A on transcript NM_031229.4 (MANE Select); coding-DNA position 1471, G replaced by A.
Protein change: p.Gly491Arg; replaces glycine 491 with arginine.
Molecular consequence: missense variant. On other transcripts: non-coding transcript variant (1).
Genome position (GRCh38, 1-based): chr20:430,368, G>A. VCF-style: chr20-430368-G-A. GRCh37 (hg19) VCF-style: chr20-411012-G-A.
Other names: c.1471G>A (NM_031229.2); c.961G>A, p.Gly321Arg (NM_001323956.2, NM_001323958.2); c.1345G>A, p.Gly449Arg (NM_006462.6); short protein forms G321R, G449R, G491R.
Identifiers: ClinVar variation 952187 (VCV000952187.29), dbSNP rs770973545, ClinGen allele CA9723404.
Genomic context (GRCh38, chr20:430,368, plus strand): 5'-TGCACTGCGCTGACATTCTCTTCTCTTCCTCCCATCCTCTAGGGCCCAGGAGACACCAGC[G>A]GGGGCTGCCGCTGCAGGGTAAATGGGATTCCTTGCCACCCAAGCTGTCAGAACTGCCACT-3'
Protein context (NP_112506.2, residues 481-501): WGPGGPGDTS[Gly491Arg]GCRCRVNGIP